The following is an entry in ClinVar:

NM_033004.4(NLRP1):c.3228C>T (p.Asp1076=)

Gene: NLRP1 (NLR family pyrin domain containing 1; minus strand). Cytogenetic location: 17p13.2.
Variant type: single nucleotide variant.
Coding change: c.3228C>T on transcript NM_033004.4 (MANE Select); coding-DNA position 3228, C replaced by T.
Protein change: p.Asp1076=; no amino-acid change (aspartic acid 1076 retained).
Molecular consequence: synonymous variant.
Genome position (GRCh38, 1-based): chr17:5,532,890, G>A on the plus strand (C>T on the coding strand, the complement: NLRP1 is on the minus strand). VCF-style: chr17-5532890-G-A. GRCh37 (hg19) VCF-style: chr17-5436210-G-A.
Other names: c.3240C>T, p.Asp1080= (NM_001033053.3); c.3228C>T, p.Asp1076= (NM_014922.5); c.3138C>T, p.Asp1046= (NM_033006.4, NM_033007.4).
Identifiers: ClinVar variation 1097101 (VCV001097101.28), dbSNP rs139890811, ClinGen allele CA8326894.
Genomic context (GRCh38, chr17:5,532,890, plus strand): 5'-GTTCTTTTCTTTGTCAACTACCTCAGTAGCCACAGGCCCCGTGGGGCCCCAGAAGTCATC[G>A]TCAGTCCCCAAAGGCTTCGTATGCAGGTCCCCTTGAGAGGCAGGAGAAGGCACGCACAAG-3'
Protein context (NP_127497.1, residues 1066-1086): GDLHTKPLGT[Asp1076=]DDFWGPTGPV

ClinVar aggregate classification (germline): Likely benign. Review status: criteria provided, multiple submitters, no conflicts (2 of 4 stars). 5 submissions from 5 submitters: Likely benign (5). Last evaluated 2025-12-22.

Conditions:
Autoinflammation with arthritis and dyskeratosis (AIADK). Identifiers: MedGen C4479278, MONDO:0060457, OMIM 617388.
Respiratory papillomatosis, juvenile recurrent, congenital. Identifiers: MedGen C5394112, MONDO:0032925, OMIM 618803.
Corneal intraepithelial dyskeratosis-palmoplantar hyperkeratosis-laryngeal dyskeratosis syndrome. Also called: Palmoplantar carcinoma, multiple self-healing. Identifiers: Orphanet 352662, MedGen C3808876, MONDO:0014089, OMIM 615225.
Vitiligo-associated multiple autoimmune disease susceptibility 1 (VAMAS1). Also called: SYSTEMIC LUPUS ERYTHEMATOSUS, VITILIGO-RELATED. Identifiers: Orphanet 247871, MedGen C1847835, MONDO:0011684, OMIM 606579.

Allele frequency attached by ClinVar (database versions not stated): gnomAD 0.00004 and 0.00007; gnomAD exomes 0.00006 and 0.00014; TOPMed 0.00006; ESP Exome Variant Server 0.00008; ExAC 0.00012.
gnomAD v4.1: 97 of 1,613,726 alleles (0.006%); highest among the groups gnomAD compares: South Asian, 0.027%; 1 homozygote.

Submissions (5):

Labcorp Genetics (formerly Invitae), Labcorp
Classification: Likely benign. Last evaluated: 2025-12-22. Review status: criteria provided, single submitter. Criteria: Invitae Variant Classification Sherloc (09022015). Collection method: clinical testing. Allele origin: germline.

Blueprint Genetics
Classification: Likely benign. Last evaluated: 2024-08-07. Review status: criteria provided, single submitter. Criteria: ACMG Guidelines, 2015. Collection method: clinical testing. Allele origin: germline.

CeGaT Center for Human Genetics Tuebingen
Classification: Likely benign. Last evaluated: 2024-08-01. Review status: criteria provided, single submitter. Criteria: CeGaT Center For Human Genetics Tuebingen Variant Classification Criteria Version 2. Collection method: clinical testing. Allele origin: germline. Affected: yes. Observed: 1 variant allele.
Comment: NLRP1: BP4, BP7

Fulgent Genetics
Classification: Likely benign for Vitiligo-associated multiple autoimmune disease susceptibility 1; Corneal intraepithelial dyskeratosis-palmoplantar hyperkeratosis-laryngeal dyskeratosis syndrome; Autoinflammation with arthritis and dyskeratosis; Respiratory papillomatosis, juvenile recurrent, congenital. Last evaluated: 2022-04-11. Review status: criteria provided, single submitter. Criteria: ACMG Guidelines, 2015. Collection method: clinical testing. Allele origin: unknown.

Breakthrough Genomics
Classification: Likely benign. Review status: criteria provided, single submitter. Criteria: ACMG Guidelines, 2015. Collection method: not provided. Allele origin: germline. Inheritance: Autosomal recessive inheritance. Affected: yes.